The following is an entry in ClinVar:

ClinVar aggregate classification (germline): Uncertain significance (1 of 4 stars; one submission).

Submission:

Labcorp Genetics (formerly Invitae), Labcorp
Classification: Uncertain significance. Last evaluated: 2022-08-14. Review status: criteria provided, single submitter. Criteria: Invitae Variant Classification Sherloc (09022015). Collection method: clinical testing. Allele origin: germline.
Comment: This sequence change affects codon 2324 of the COL7A1 mRNA. It is a 'silent' change, meaning that it does not change the encoded amino acid sequence of the COL7A1 protein. This variant is not present in population databases (gnomAD no frequency). This variant has not been reported in the literature in individuals affected with COL7A1-related conditions. Algorithms developed to predict the effect of sequence changes on RNA splicing suggest that this variant may disrupt the consensus splice site. In summary, the available evidence is currently insufficient to determine the role of this variant in disease. Therefore, it has been classified as a Variant of Uncertain Significance.

NM_000094.4(COL7A1):c.6972T>G (p.Gly2324=)

Gene: COL7A1 (collagen type VII alpha 1 chain; minus strand). Cytogenetic location: 3p21.31.
Variant type: single nucleotide variant.
Coding change: c.6972T>G on transcript NM_000094.4 (MANE Select); coding-DNA position 6972, T replaced by G.
Protein change: p.Gly2324=; no amino-acid change (glycine 2324 retained).
Molecular consequence: synonymous variant.
Genome position (GRCh38, 1-based): chr3:48,572,386, A>C on the plus strand (T>G on the coding strand, the complement: COL7A1 is on the minus strand). VCF-style: chr3-48572386-A-C. GRCh37 (hg19) VCF-style: chr3-48609819-A-C.
Identifiers: ClinVar variation 2020824 (VCV002020824.1), dbSNP rs767218959, ClinGen allele CA73975811.
Genomic context (GRCh38, chr3:48,572,386, plus strand): 5'-CCACTGGAGAGACAGGACCCCCAGAACATCTGCTGTCAGAAGTTCCCTACTTACCGGCTC[A>C]CCCACCAGGTCTCCAGCAAGGCCTCCAGGGGCTCCCTGGTAAGGGGGAGAGGTCAGTGGG-3'
Protein context (NP_000085.1, residues 2314-2334): APGGLAGDLV[Gly2324=]EPGAKGDRGL